The following is an entry in ClinVar:

NM_182961.4(SYNE1):c.18204G>C (p.Leu6068Phe)

Gene: SYNE1 (spectrin repeat containing nuclear envelope protein 1; minus strand). Cytogenetic location: 6q25.2.
Variant type: single nucleotide variant.
Coding change: c.18204G>C on transcript NM_182961.4 (MANE Select); coding-DNA position 18204, G replaced by C.
Protein change: p.Leu6068Phe; replaces leucine 6068 with phenylalanine.
Molecular consequence: missense variant.
Genome position (GRCh38, 1-based): chr6:152,283,981, C>G on the plus strand (G>C on the coding strand, the complement: SYNE1 is on the minus strand). VCF-style: chr6-152283981-C-G. GRCh37 (hg19) VCF-style: chr6-152605116-C-G.
Other names: p.Leu5997Phe; c.17991G>C, p.Leu5997Phe (NM_033071.5); short protein forms L5997F, L6068F.
Identifiers: ClinVar variation 262173 (VCV000262173.24), dbSNP rs138039375, ClinGen allele CA4055035.

ClinVar aggregate classification (germline): Conflicting classifications of pathogenicity. Review status: criteria provided, conflicting classifications (1 of 4 stars). 6 submissions from 6 submitters: Uncertain significance (3); Likely benign (3). Last evaluated 2026-10-20.

Conditions:
Emery-Dreifuss muscular dystrophy 4, autosomal dominant (EDMD4). Also called: EMERY-DREIFUSS MUSCULAR DYSTROPHY 4 WITH VARIABLE FEATURES. Identifiers: Orphanet 261, MedGen C2751807, MONDO:0013071, OMIM 612998.
Autosomal recessive ataxia, Beauce type. Also called: ATAXIA, RECESSIVE, OF BEAUCE; Spinocerebellar ataxia, autosomal recessive 8; SYNE1-Related Autosomal Recessive Cerebellar Ataxia; SYNE1 Deficiency. Identifiers: Orphanet 88644, MedGen C1853116, MONDO:0012549, OMIM 610743.

Allele frequency attached by ClinVar (database versions not stated): ESP Exome Variant Server 0.00038; 1000 Genomes Project 0.00140; gnomAD exomes 0.00022; ExAC 0.00031; TOPMed 0.00094; 1000 Genomes Project 30x 0.00125; gnomAD 0.00098 and 0.00102.
gnomAD v4.1: 268 of 1,614,052 alleles (0.017%); highest among the groups gnomAD compares: African/African-American, 0.32%; no homozygotes.

Submissions (6):

GeneDx
Classification: Uncertain significance. Last evaluated: 2026-10-20. Review status: criteria provided, single submitter. Criteria: GeneDx Variant Classification Process June 2021. Collection method: clinical testing. Allele origin: germline.
Comment: In silico analysis suggests that this missense variant does not alter protein structure/function; Has not been previously published as pathogenic or benign to our knowledge

Labcorp Genetics (formerly Invitae), Labcorp
Classification: Likely benign for Emery-Dreifuss muscular dystrophy 4, autosomal dominant; Autosomal recessive ataxia, Beauce type. Last evaluated: 2025-08-15. Review status: criteria provided, single submitter. Criteria: Invitae Variant Classification Sherloc (09022015). Collection method: clinical testing. Allele origin: germline.

Mayo Clinic Laboratories, Mayo Clinic
Classification: Uncertain significance. Last evaluated: 2025-06-27. Review status: criteria provided, single submitter. Criteria: ACMG Guidelines, 2015. Collection method: clinical testing. Allele origin: germline. Observed: 1 variant allele.
Comment: BS1

Athena Diagnostics
Classification: Likely benign. Last evaluated: 2024-12-27. Review status: criteria provided, single submitter. Criteria: Athena Diagnostics Criteria. Collection method: clinical testing. Allele origin: unknown.
Comment: The frequency of this variant in the general population is higher than would generally be expected for pathogenic variants in this gene.

Eurofins Ntd Llc (ga)
Classification: Uncertain significance. Last evaluated: 2017-12-12. Review status: criteria provided, single submitter. Criteria: EGL Classification Definitions 2015. Collection method: clinical testing. Allele origin: germline. Observed: 5 variant alleles, 5 heterozygotes.

PreventionGenetics, part of Exact Sciences
Classification: Likely benign. Review status: criteria provided, single submitter. Criteria: ACMG Guidelines, 2015. Collection method: clinical testing. Allele origin: germline.